The following is an entry in ClinVar:

NM_000302.4(PLOD1):c.1880T>C (p.Leu627Pro)

Gene: PLOD1 (procollagen-lysine,2-oxoglutarate 5-dioxygenase 1; plus strand). Cytogenetic location: 1p36.22.
Variant type: single nucleotide variant.
Coding change: c.1880T>C on transcript NM_000302.4 (MANE Select); coding-DNA position 1880, T replaced by C.
Protein change: p.Leu627Pro; replaces leucine 627 with proline.
Molecular consequence: missense variant.
Genome position (GRCh38, 1-based): chr1:11,970,794, T>C. VCF-style: chr1-11970794-T-C. GRCh37 (hg19) VCF-style: chr1-12030851-T-C.
Other names: c.2021T>C, p.Leu674Pro (NM_001316320.2); short protein forms L627P, L674P.
Identifiers: ClinVar variation 4689325 (VCV004689325.1).
Genomic context (GRCh38, chr1:11,970,794, plus strand): 5'-GCTTTGAGCGGGAGTGGCACAAATTCCTGCTGGAGTACATTGCGCCCATGACGGAGAAGC[T>C]CTACCCCGGCTACTACACCAGGGTGGGCAAGCCTGGGGCATAGCCAGGATGCGGGGACAG-3'
Protein context (NP_000293.2, residues 617-637): LEYIAPMTEK[Leu627Pro]YPGYYTRAQF

ClinVar aggregate classification (germline): Uncertain significance (1 of 4 stars; one submission).

Submission:

Women's Health and Genetics/Laboratory Corporation of America, LabCorp
Classification: Uncertain significance. Last evaluated: 2026-01-16. Review status: criteria provided, single submitter. Criteria: LabCorp Variant Classification Summary - May 2015. Collection method: clinical testing. Allele origin: germline.
Comment: Variant summary: PLOD1 c.1880T>C (p.Leu627Pro) results in a non-conservative amino acid change in the encoded protein sequence. Algorithms developed to predict the effect of missense changes on protein structure and function are either unavailable or do not agree on the potential impact of this missense change. The variant was absent in 250476 control chromosomes. The available data on variant occurrences in the general population are insufficient to allow any conclusion about variant significance. To our knowledge, no occurrence of c.1880T>C in individuals affected with PLOD1-related conditions and no experimental evidence demonstrating its impact on protein function have been reported. No submitters have cited clinical-significance assessments for this variant to ClinVar. Based on the evidence outlined above, the variant was classified as uncertain significance.